The following is an entry in ClinVar:

ClinVar aggregate classification (germline): Uncertain significance. Review status: criteria provided, multiple submitters, no conflicts (2 of 4 stars). 2 submissions from 2 submitters: Uncertain significance (2). Last evaluated 2025-06-24.

gnomAD v4.1: 13 of 1,614,034 alleles (0.00081%); highest among the groups gnomAD compares: Admixed American, 0.02%; no homozygotes.

Submissions (2):

Labcorp Genetics (formerly Invitae), Labcorp
Classification: Uncertain significance. Last evaluated: 2025-06-24. Review status: criteria provided, single submitter. Criteria: Invitae Variant Classification Sherloc (09022015). Collection method: clinical testing. Allele origin: germline.
Comment: This sequence change replaces leucine, which is neutral and non-polar, with serine, which is neutral and polar, at codon 572 of the NIN protein (p.Leu572Ser). This variant is present in population databases (rs549688422, gnomAD 0.006%). This variant has not been reported in the literature in individuals affected with NIN-related conditions. An algorithm developed to predict the effect of missense changes on protein structure and function outputs the following: PolyPhen-2: "Benign". The serine amino acid residue is found in multiple mammalian species, which suggests that this missense change does not adversely affect protein function. In summary, the available evidence is currently insufficient to determine the role of this variant in disease. Therefore, it has been classified as a Variant of Uncertain Significance.

Ambry Genetics
Classification: Uncertain significance. Last evaluated: 2025-04-29. Review status: criteria provided, single submitter. Criteria: Ambry Variant Classification Scheme 2023. Collection method: clinical testing. Allele origin: germline.

NM_020921.4(NIN):c.1715T>C (p.Leu572Ser)

Gene: NIN (ninein; minus strand). Cytogenetic location: 14q22.1.
Variant type: single nucleotide variant.
Coding change: c.1715T>C on transcript NM_020921.4 (MANE Select); coding-DNA position 1715, T replaced by C.
Protein change: p.Leu572Ser; replaces leucine 572 with serine.
Molecular consequence: missense variant.
Genome position (GRCh38, 1-based): chr14:50,763,885, A>G on the plus strand (T>C on the coding strand, the complement: NIN is on the minus strand). VCF-style: chr14-50763885-A-G. GRCh37 (hg19) VCF-style: chr14-51230603-A-G.
Other names: c.1715T>C, p.Leu572Ser (NM_016350.5, NM_182944.3, NM_182946.2); short protein forms L572S.
Identifiers: ClinVar variation 3919735 (VCV003919735.2).